The following is an entry in ClinVar:

NM_144666.3(DNHD1):c.1086A>G (p.Pro362=)

Gene: DNHD1 (dynein heavy chain domain 1; plus strand). Cytogenetic location: 11p15.4.
Variant type: single nucleotide variant.
Coding change: c.1086A>G on transcript NM_144666.3 (MANE Select); coding-DNA position 1086, A replaced by G.
Protein change: p.Pro362=; no amino-acid change (proline 362 retained).
Molecular consequence: synonymous variant.
Genome position (GRCh38, 1-based): chr11:6,509,045, A>G. VCF-style: chr11-6509045-A-G. GRCh37 (hg19) VCF-style: chr11-6530275-A-G.
Other names: c.1086A>G, p.Pro362= (NM_173589.4).
Identifiers: ClinVar variation 789480 (VCV000789480.8), dbSNP rs77615924, ClinGen allele CA5855490.
Genomic context (GRCh38, chr11:6,509,045, plus strand): 5'-GATGACACTGGGTACCTGGCACCATCACTGTGTTCTCTGGCAGCAGCTCCAGTTCATTCC[A>G]TTCTTTAAGTATTGCCTCTTACGCAAGTCCTTTACCTGGTAGGTAATGACGGATATGTGA-3'
Protein context (NP_653267.2, residues 352-372): CVLWQQLQFI[Pro362=]FFKYCLLRKS

ClinVar aggregate classification (germline): Benign/Likely benign. Review status: criteria provided, multiple submitters, no conflicts (2 of 4 stars). 4 submissions from 4 submitters: Benign (2); Likely benign (1). 1 of the submissions does not count toward it. Last evaluated 2024-11-13.

Conditions:
DNHD1-related disorder. Also called: DNHD1-related condition.

Allele frequency attached by ClinVar (database versions not stated): gnomAD exomes 0.00088 and 0.00159; ExAC 0.00172; gnomAD 0.00411; ESP Exome Variant Server 0.00439; TOPMed 0.00522; 1000 Genomes Project 0.00659; 1000 Genomes Project 30x 0.00734.
gnomAD v4.1: 1,996 of 1,614,158 alleles (0.12%); highest among the groups gnomAD compares: African/African-American, 1.5%; 10 homozygotes.

Submissions (4):

Blueprint Genetics
Classification: Likely benign. Last evaluated: 2024-11-13. Review status: criteria provided, single submitter. Criteria: ACMG Guidelines, 2015. Collection method: clinical testing. Allele origin: germline.

Labcorp Genetics (formerly Invitae), Labcorp
Classification: Benign. Last evaluated: 2019-12-31. Review status: criteria provided, single submitter. Criteria: Invitae Variant Classification Sherloc (09022015). Collection method: clinical testing. Allele origin: germline.

Breakthrough Genomics
Classification: Benign. Review status: criteria provided, single submitter. Criteria: ACMG Guidelines, 2015. Collection method: not provided. Allele origin: germline. Inheritance: Autosomal recessive inheritance. Affected: yes.

PreventionGenetics, part of Exact Sciences
Classification: Benign for DNHD1-related condition. Last evaluated: 2019-06-21. Review status: no assertion criteria provided. Collection method: clinical testing. Allele origin: germline. Not counted in ClinVar's aggregate classification.
Comment: This variant is classified as benign based on ACMG/AMP sequence variant interpretation guidelines (Richards et al. 2015 PMID: 25741868, with internal and published modifications).